The following is an entry in ClinVar:

NM_001267550.2(TTN):c.76238A>G (p.Lys25413Arg)

Genes: TTN (titin; minus strand), TTN-AS1 (TTN antisense RNA 1; plus strand). Cytogenetic location: 2q31.2.
Variant type: single nucleotide variant.
Coding change: c.76238A>G on transcript NM_001267550.2 (MANE Select); coding-DNA position 76238, A replaced by G.
Protein change: p.Lys25413Arg; replaces lysine 25413 with arginine.
Molecular consequence: missense variant.
Genome position (GRCh38, 1-based): chr2:178,569,894, T>C on the plus strand (A>G on the coding strand, the complement: TTN is on the minus strand). VCF-style: chr2-178569894-T-C. GRCh37 (hg19) VCF-style: chr2-179434621-T-C.
Other names: c.71315A>G, p.Lys23772Arg (NM_001256850.1); c.49043A>G, p.Lys16348Arg (NM_003319.4); c.68534A>G, p.Lys22845Arg (NM_133378.4); c.49418A>G, p.Lys16473Arg (NM_133432.3); c.49619A>G, p.Lys16540Arg (NM_133437.4); short protein forms K25413R, K16473R, K16540R, K22845R, K16348R, K23772R.
Identifiers: ClinVar variation 535044 (VCV000535044.7), dbSNP rs367696053, ClinGen allele CA1989938.

ClinVar aggregate classification (germline): Uncertain significance (1 of 4 stars; one submission).

Conditions:
Autosomal recessive limb-girdle muscular dystrophy type 2J (LGMDR10). Also called: Limb-girdle muscular dystrophy, type 2J; MUSCULAR DYSTROPHY, LIMB-GIRDLE, AUTOSOMAL RECESSIVE 10. Identifiers: Orphanet 140922, MedGen C1837342, MONDO:0012127, OMIM 608807.
Dilated cardiomyopathy 1G (CMD1G). Identifiers: Orphanet 154, MedGen C1858763, MONDO:0011400, OMIM 604145.

Allele frequency attached by ClinVar (database versions not stated): gnomAD exomes below 0.00001 and 0.00001; ExAC 0.00001; TOPMed 0.00001; ESP Exome Variant Server 0.00008.
gnomAD v4.1: 3 of 1,613,422 alleles (0.00019%); highest among the groups gnomAD compares: Non-Finnish European, 0.00025%; no homozygotes.

Submission:

Labcorp Genetics (formerly Invitae), Labcorp
Classification: Uncertain significance for Dilated cardiomyopathy 1G; Autosomal recessive limb-girdle muscular dystrophy type 2J. Last evaluated: 2022-02-03. Review status: criteria provided, single submitter. Criteria: Invitae Variant Classification Sherloc (09022015). Collection method: clinical testing. Allele origin: germline.
Comment: In summary, the available evidence is currently insufficient to determine the role of this variant in disease. Therefore, it has been classified as a Variant of Uncertain Significance. This variant is located in the A band of TTN (PMID: 25589632). Variants in this region may be relevant for cardiac or neuromuscular disorders (PMID: 25589632, 23975875). Algorithms developed to predict the effect of sequence changes on RNA splicing suggest that this variant may create or strengthen a splice site. Algorithms developed to predict the effect of missense changes on protein structure and function output the following: SIFT: "Not Available"; PolyPhen-2: "Not Available"; Align-GVGD: "Not Available". The arginine amino acid residue is found in multiple mammalian species, which suggests that this missense change does not adversely affect protein function. ClinVar contains an entry for this variant (Variation ID: 535044). This variant has not been reported in the literature in individuals affected with TTN-related conditions. This variant is present in population databases (rs367696053, gnomAD 0.007%). This sequence change replaces lysine, which is basic and polar, with arginine, which is basic and polar, at codon 25413 of the TTN protein (p.Lys25413Arg).

Literature cited by the submitters: PubMed 25589632; PubMed 23975875.